The following is an entry in ClinVar:

ClinVar aggregate classification (germline): Pathogenic (1 of 4 stars; one submission).

Conditions:
Complex neurodevelopmental disorder. Identifiers: Orphanet 528084, MedGen C5568766, MONDO:0100038.

Submission:

GeneDx
Classification: Pathogenic. Last evaluated: 2016-09-09. Review status: criteria provided, single submitter. Criteria: GeneDx Variant Classification (06012015). Collection method: clinical testing. Allele origin: germline. Affected: yes.
Comment: The D343H pathogenic variant in the SCN2A gene has not been reported previously as a pathogenic variant nor as a benign variant, to our knowledge. This variant was not observed in approximately 6500 individuals of European and African American ancestry in the NHLBI Exome Sequencing Project, indicating it is not a common benign variant in these populations. The D343H variant is a non-conservative amino acid substitution, which is likely to impact secondary protein structure as these residues differ in polarity, charge, size and/or other properties. This substitution is predicted to be within the pore forming loop between the S5 and S6 transmembrane segments of the first homologous domain, at a position that is conserved conserved in mammals. In silico analysis predicts this variant is probably damaging to the protein structure/function. We interpret D343H as a pathogenic variant.

NM_001040142.2(SCN2A):c.1027G>C (p.Asp343His)

Gene: SCN2A (sodium voltage-gated channel alpha subunit 2; plus strand). Cytogenetic location: 2q24.3.
Variant type: single nucleotide variant.
Coding change: c.1027G>C on transcript NM_001040142.2 (MANE Select); coding-DNA position 1027, G replaced by C.
Protein change: p.Asp343His; replaces aspartic acid 343 with histidine.
Molecular consequence: missense variant.
Genome position (GRCh38, 1-based): chr2:165,312,081, G>C. VCF-style: chr2-165312081-G-C. GRCh37 (hg19) VCF-style: chr2-166168591-G-C.
Other names: c.1027G>C, p.Asp343His (NM_001040143.2, NM_001371246.1, NM_001371247.1 and 1 more transcripts); short protein forms D343H.
Identifiers: ClinVar variation 280832 (VCV000280832.4), dbSNP rs796053175, ClinGen allele CA10602786.